The following is an entry in ClinVar:

NM_000268.4(NF2):c.100G>A (p.Glu34Lys)

Gene: NF2 (NF2, moesin-ezrin-radixin like (MERLIN) tumor suppressor; plus strand). Cytogenetic location: 22q12.2.
Variant type: single nucleotide variant.
Coding change: c.100G>A on transcript NM_000268.4 (MANE Select); coding-DNA position 100, G replaced by A.
Protein change: p.Glu34Lys; replaces glutamic acid 34 with lysine.
Molecular consequence: missense variant. On other transcripts: 5 prime UTR variant (4), non-coding transcript variant (1).
Genome position (GRCh38, 1-based): chr22:29,604,098, G>A. VCF-style: chr22-29604098-G-A. GRCh37 (hg19) VCF-style: chr22-30000087-G-A.
Other names: c.-131G>A (NM_001407053.1, NM_001407056.1); c.100G>A, p.Glu34Lys (NM_001407054.1, NM_001407055.1, NM_001407057.1 and 15 more transcripts); c.-541G>A (NM_001407065.1); c.-157G>A (NM_001407067.1); short protein forms E34K.
Identifiers: ClinVar variation 4861019 (VCV004861019.1).

ClinVar aggregate classification (germline): Uncertain significance (1 of 4 stars; one submission).

Conditions:
Hereditary cancer-predisposing syndrome. Also called: Neoplastic Syndromes, Hereditary; Tumor predisposition; Hereditary Cancer Syndrome; Hereditary neoplastic syndrome. Identifiers: Orphanet 140162, MedGen C0027672, MeSH D009386, MONDO:0015356.

Submission:

Ambry Genetics
Classification: Uncertain significance for Hereditary cancer-predisposing syndrome. Last evaluated: 2026-04-20. Review status: criteria provided, single submitter. Criteria: Ambry Variant Classification Scheme 2023. Collection method: clinical testing. Allele origin: germline.
Comment: The p.E34K variant (also known as c.100G>A), located in coding exon 1 of the NF2 gene, results from a G to A substitution at nucleotide position 100. The glutamic acid at codon 34 is replaced by lysine, an amino acid with similar properties. This amino acid position is conserved. In addition, the in silico prediction for this alteration is inconclusive. Based on the available evidence, the clinical significance of this variant remains unclear.